The following is an entry in ClinVar:

NM_001378454.1(ALMS1):c.4415C>A (p.Thr1472Asn)

Gene: ALMS1 (ALMS1 centrosome and basal body associated protein; plus strand). Cytogenetic location: 2p13.1.
Variant type: single nucleotide variant.
Coding change: c.4415C>A on transcript NM_001378454.1 (MANE Select); coding-DNA position 4415, C replaced by A.
Protein change: p.Thr1472Asn; replaces threonine 1472 with asparagine.
Molecular consequence: missense variant.
Genome position (GRCh38, 1-based): chr2:73,450,942, C>A. VCF-style: chr2-73450942-C-A. GRCh37 (hg19) VCF-style: chr2-73678069-C-A.
Other names: c.4418C>A, p.Thr1473Asn (NM_015120.4); short protein forms T1472N, T1473N.
Identifiers: ClinVar variation 3360685 (VCV003360685.1).

ClinVar aggregate classification (germline): Uncertain significance (1 of 4 stars; one submission).

gnomAD v4.1: 1 of 1,613,964 alleles (0.000062%); highest among the groups gnomAD compares: Non-Finnish European, 0.000085%; no homozygotes.

Submission:

GeneDx
Classification: Uncertain significance. Last evaluated: 2023-07-02. Review status: criteria provided, single submitter. Criteria: GeneDx Variant Classification Process June 2021. Collection method: clinical testing. Allele origin: germline. Affected: yes.
Comment: Not observed at significant frequency in large population cohorts (gnomAD); In silico analysis supports that this missense variant does not alter protein structure/function; Has not been previously published as pathogenic or benign to our knowledge